The following is an entry in ClinVar:

ClinVar aggregate classification (germline): Uncertain significance (1 of 4 stars; one submission).

Conditions:
RASopathy. Also called: rasopathies; Noonan spectrum disorder. Identifiers: Orphanet 536391, MedGen C5555857, MONDO:0021060.

Submission:

Labcorp Genetics (formerly Invitae), Labcorp
Classification: Uncertain significance for RASopathy. Last evaluated: 2022-05-13. Review status: criteria provided, single submitter. Criteria: Invitae Variant Classification Sherloc (09022015). Collection method: clinical testing. Allele origin: germline.
Comment: In summary, the available evidence is currently insufficient to determine the role of this variant in disease. Therefore, it has been classified as a Variant of Uncertain Significance. Advanced modeling of protein sequence and biophysical properties (such as structural, functional, and spatial information, amino acid conservation, physicochemical variation, residue mobility, and thermodynamic stability) performed at Invitae indicates that this missense variant is expected to disrupt CBL protein function. ClinVar contains an entry for this variant (Variation ID: 646222). This variant has not been reported in the literature in individuals affected with CBL-related conditions. This variant is not present in population databases (gnomAD no frequency). This sequence change replaces valine, which is neutral and non-polar, with glycine, which is neutral and non-polar, at codon 363 of the CBL protein (p.Val363Gly).

NM_005188.4(CBL):c.1088T>G (p.Val363Gly)

Gene: CBL (Cbl proto-oncogene; plus strand). Cytogenetic location: 11q23.3.
Variant type: single nucleotide variant.
Coding change: c.1088T>G on transcript NM_005188.4 (MANE Select); coding-DNA position 1088, T replaced by G.
Protein change: p.Val363Gly; replaces valine 363 with glycine.
Molecular consequence: missense variant.
Genome position (GRCh38, 1-based): chr11:119,277,837, T>G. VCF-style: chr11-119277837-T-G. GRCh37 (hg19) VCF-style: chr11-119148547-T-G.
Other names: short protein forms V363G.
Identifiers: ClinVar variation 646222 (VCV000646222.10), dbSNP rs1592400621, ClinGen allele CA382912094.
Genomic context (GRCh38, chr11:119,277,837, plus strand): 5'-GAAATCAGAATCCTGATCTGACTGGCTTATGTGAACCAACTCCCCAAGACCATATCAAAG[T>G]GACCCAGGTGAGTTTTGTTTCACATGATAACCATATCACTGGACACAAGCTTTAGTATAT-3'
Protein context (NP_005179.2, residues 353-373): CEPTPQDHIK[Val363Gly]TQEQYELYCE